The following is an entry in ClinVar:

NC_000015.10:g.(?_55430664)_(55432608_?)del

Genes: DNAAF4 (dynein axonemal assembly factor 4; minus strand), DNAAF4-CCPG1 (DNAAF4-CCPG1 readthrough (NMD candidate); minus strand). Cytogenetic location: 15q21.3.
Variant type: Deletion.
Identifiers: ClinVar variation 646956 (VCV000646956.2).

ClinVar aggregate classification (germline): Pathogenic. Review status: criteria provided, single submitter (1 of 4 stars). 2 submissions from 1 submitter: Pathogenic (1). 1 of the submissions does not count toward it. Last evaluated 2018-08-29.

Conditions:
Primary ciliary dyskinesia. Also called: Ciliary dyskinesia. Identifiers: Orphanet 244, MedGen C0008780, MONDO:0016575, HP:0012265.

Submissions (2):

Labcorp Genetics (formerly Invitae), Labcorp
Classification: Pathogenic. Last evaluated: 2018-08-29. Review status: criteria provided, single submitter. Criteria: Invitae Variant Classification Sherloc (09022015). Collection method: clinical testing. Allele origin: germline.
Comment: This variant is a gross deletion of the genomic region encompassing exons 9-10 of the DYX1C1 gene. The 5' boundary is likely confined to intron 8. The 3' end of this event is unknown as it extends through the termination codon beyond the assayed region for this gene and may encompass additional genes. While this deletion is not anticipated to result in nonsense mediated decay, it is expected to create a truncated protein product or disrupt mRNA translation. Similar deletions of exons 9-10 have been observed in the homozygous state or with a pathogenic variant (deletion of exon 7) in DYX1C1 in individuals affected with primary ciliary dyskinesia (Invitae). For these reasons, this variant has been classified as Pathogenic.

Labcorp Genetics (formerly Invitae), Labcorp
Classification: Pathogenic for Primary ciliary dyskinesia. Last evaluated: 2018-09-10. Review status: flagged submission. Criteria: Invitae Variant Classification Sherloc (09022015). Collection method: clinical testing. Allele origin: germline. Not counted in ClinVar's aggregate classification.
Comment: the same text as in the submission from Labcorp Genetics (formerly Invitae), Labcorp above.
ClinVar note: Reason: This record appears to be redundant with a more recent record from the same submitter.
ClinVar note: Notes: SCV000941122 appears to be redundant with SCV001578869.